The following is an entry in ClinVar:

NC_000023.10:g.(?_32536115)_(32632580_?)dup

Genes: DMD (dystrophin; minus strand), MIR3915 (microRNA 3915; minus strand). Cytogenetic location: Xp21.1.
Variant type: Duplication.
Identifiers: ClinVar variation 646407 (VCV000646407.2).

ClinVar aggregate classification (germline): Likely pathogenic (1 of 4 stars; one submission).

Conditions:
Duchenne muscular dystrophy (DMD). Also called: MUSCULAR DYSTROPHY, PSEUDOHYPERTROPHIC PROGRESSIVE, DUCHENNE TYPE; Duchenne Muscular Dystrophy (DMD). Identifiers: Orphanet 98896, MedGen C0013264, MONDO:0010679, OMIM 310200.

Submission:

Labcorp Genetics (formerly Invitae), Labcorp
Classification: Likely pathogenic for Duchenne muscular dystrophy. Last evaluated: 2019-01-14. Review status: criteria provided, single submitter. Criteria: Invitae Variant Classification Sherloc (09022015). Collection method: clinical testing. Allele origin: germline.
Comment: This variant results in a copy number gain of the genomic region encompassing exons 12-18 of the DMD gene. While the exact position of this variant cannot be determined from this data, sub-genic copy number gains are generally in tandem (PMID: 25640679) and may result in an absent or disrupted protein product. A similar copy number gain of exons 12-18 has been observed in an individual affected with dystrophinopathy (PMID: 25007885). Loss-of-function variants in DMD are known to be pathogenic (PMID: 16770791, 25007885). In summary, the currently available evidence indicates that the variant is pathogenic, but additional data are needed to prove that conclusively. Therefore, this variant has been classified as Likely Pathogenic.

Literature cited by the submitters: PubMed 25007885.